The following is an entry in ClinVar:

NM_001465.6(FYB1):c.-27-5884C>T

Gene: FYB1 (FYN binding protein 1; minus strand). Cytogenetic location: 5p13.1.
Variant type: single nucleotide variant.
Coding change: c.-27-5884C>T on transcript NM_001465.6 (MANE Select); 5884 bases into the intron before 27 bases upstream of the start codon, C replaced by T.
Molecular consequence: intron variant. On other transcripts: 5 prime UTR variant (1).
Genome position (GRCh38, 1-based): chr5:39,208,871, G>A on the plus strand (C>T on the coding strand, the complement: FYB1 is on the minus strand). VCF-style: chr5-39208871-G-A. GRCh37 (hg19) VCF-style: chr5-39208973-G-A.
Other names: c.-5C>T (NM_018594.2); c.4-5884C>T (NM_001243093.2); c.-27-5884C>T (NM_199335.5); c.-28+3807C>T (NM_001349333.2).
Identifiers: ClinVar variation 3354678 (VCV003354678.1).

ClinVar aggregate classification (germline): Likely benign (0 of 4 stars; one submission).

Conditions:
FYB1-related disorder. Also called: FYB1-related condition.

gnomAD v4.1: 7 of 152,312 alleles (0.0046%); highest among the groups gnomAD compares: Admixed American, 0.046%; no homozygotes.

Submission:

PreventionGenetics, part of Exact Sciences
Classification: Likely benign for FYB1-related condition. Last evaluated: 2024-03-18. Review status: no assertion criteria provided. Collection method: clinical testing. Allele origin: germline.
Comment: This variant is classified as likely benign based on ACMG/AMP sequence variant interpretation guidelines (Richards et al. 2015 PMID: 25741868, with internal and published modifications).